The following is an entry in ClinVar:

ClinVar aggregate classification (germline): Uncertain significance (0 of 4 stars; one submission).

Conditions:
TGFB3-related disorder. Also called: TGFB3-related condition.

Submission:

PreventionGenetics, part of Exact Sciences
Classification: Uncertain significance for TGFB3-related condition. Last evaluated: 2023-12-06. Review status: no assertion criteria provided. Collection method: clinical testing. Allele origin: germline.
Comment: The TGFB3 c.190C>G variant is predicted to result in the amino acid substitution p.His64Asp. To our knowledge, this variant has not been reported in the literature or in a large population database, indicating this variant is rare. At this time, the clinical significance of this variant is uncertain due to the absence of conclusive functional and genetic evidence.

NM_003239.5(TGFB3):c.190C>G (p.His64Asp)

Gene: TGFB3 (transforming growth factor beta 3; minus strand). Cytogenetic location: 14q24.3.
Variant type: single nucleotide variant.
Coding change: c.190C>G on transcript NM_003239.5 (MANE Select); coding-DNA position 190, C replaced by G.
Protein change: p.His64Asp; replaces histidine 64 with aspartic acid.
Molecular consequence: missense variant.
Genome position (GRCh38, 1-based): chr14:75,980,704, G>C on the plus strand (C>G on the coding strand, the complement: TGFB3 is on the minus strand). VCF-style: chr14-75980704-G-C. GRCh37 (hg19) VCF-style: chr14-76447047-G-C.
Other names: c.190C>G, p.His64Asp (NM_001329938.2, NM_001329939.2); short protein forms H64D.
Identifiers: ClinVar variation 2630819 (VCV002630819.3), dbSNP rs2503023781, ClinGen allele CA390471463.